The following is an entry in ClinVar:

ClinVar aggregate classification (germline): Uncertain significance. Review status: criteria provided, multiple submitters, no conflicts (2 of 4 stars). 2 submissions from 2 submitters: Uncertain significance (2). Last evaluated 2024-07-29.

Allele frequency attached by ClinVar (database versions not stated): gnomAD exomes 0.00002; TOPMed 0.00002; ExAC 0.00003.
gnomAD v4.1: 20 of 1,613,870 alleles (0.0012%); highest among the groups gnomAD compares: Admixed American, 0.0033%; no homozygotes.

Submissions (2):

Labcorp Genetics (formerly Invitae), Labcorp
Classification: Uncertain significance. Last evaluated: 2024-07-29. Review status: criteria provided, single submitter. Criteria: Invitae Variant Classification Sherloc (09022015). Collection method: clinical testing. Allele origin: germline.
Comment: This sequence change replaces asparagine, which is neutral and polar, with serine, which is neutral and polar, at codon 413 of the COL9A1 protein (p.Asn413Ser). This variant is present in population databases (rs202034701, gnomAD 0.004%). This variant has not been reported in the literature in individuals affected with COL9A1-related conditions. ClinVar contains an entry for this variant (Variation ID: 862206). Advanced modeling of protein sequence and biophysical properties (such as structural, functional, and spatial information, amino acid conservation, physicochemical variation, residue mobility, and thermodynamic stability) performed at Invitae indicates that this missense variant is not expected to disrupt COL9A1 protein function with a negative predictive value of 95%. In summary, the available evidence is currently insufficient to determine the role of this variant in disease. Therefore, it has been classified as a Variant of Uncertain Significance.

GeneDx
Classification: Uncertain significance. Last evaluated: 2024-06-02. Review status: criteria provided, single submitter. Criteria: GeneDx Variant Classification Process June 2021. Collection method: clinical testing. Allele origin: germline. Affected: yes.
Comment: In silico analysis indicates that this missense variant does not alter protein structure/function; Has not been previously published as pathogenic or benign to our knowledge

NM_001851.6(COL9A1):c.1238A>G (p.Asn413Ser)

Gene: COL9A1 (collagen type IX alpha 1 chain; minus strand). Cytogenetic location: 6q13.
Variant type: single nucleotide variant.
Coding change: c.1238A>G on transcript NM_001851.6 (MANE Select); coding-DNA position 1238, A replaced by G.
Protein change: p.Asn413Ser; replaces asparagine 413 with serine.
Molecular consequence: missense variant. On other transcripts: non-coding transcript variant (1).
Genome position (GRCh38, 1-based): chr6:70,268,853, T>C on the plus strand (A>G on the coding strand, the complement: COL9A1 is on the minus strand). VCF-style: chr6-70268853-T-C. GRCh37 (hg19) VCF-style: chr6-70978556-T-C.
Other names: c.509A>G, p.Asn170Ser (NM_001377289.1, NM_001377290.1, NM_078485.4); short protein forms N170S, N413S.
Identifiers: ClinVar variation 862206 (VCV000862206.7), dbSNP rs202034701, ClinGen allele CA3882318.
Genomic context (GRCh38, chr6:70,268,853, plus strand): 5'-TATTCTCTTACCCTCATGCCTGGTAGGCCTGGATATCCTGAGCGACCTGGTGGACAGGCA[T>C]TGGGACACTGCCAGGGAGAGAGGGAACAAAGAGAAAGAAAGACAGACAGAGTGCATAAAC-3'
Protein context (NP_001842.3, residues 403-423): GFHDGDPLCP[Asn413Ser]ACPPGRSGYP